The following is an entry in ClinVar:

ClinVar aggregate classification (germline): Uncertain significance (1 of 4 stars; one submission).

Allele frequency attached by ClinVar (database versions not stated): gnomAD exomes below 0.00001.
gnomAD v4.1: 1 of 1,612,424 alleles (0.000062%); highest among the groups gnomAD compares: Non-Finnish European, 0.000085%; no homozygotes.

Submission:

GeneDx
Classification: Uncertain significance. Last evaluated: 2022-05-02. Review status: criteria provided, single submitter. Criteria: GeneDx Variant Classification Process June 2021. Collection method: clinical testing. Allele origin: germline. Affected: yes.
Comment: Not observed at significant frequency in large population cohorts (gnomAD); In silico analysis supports that this missense variant does not alter protein structure/function; Has not been previously published as pathogenic or benign to our knowledge

NM_000141.5(FGFR2):c.2200A>T (p.Met734Leu)

Gene: FGFR2 (fibroblast growth factor receptor 2; minus strand). Cytogenetic location: 10q26.13.
Variant type: single nucleotide variant.
Coding change: c.2200A>T on transcript NM_000141.5 (MANE Select); coding-DNA position 2200, A replaced by T.
Protein change: p.Met734Leu; replaces methionine 734 with leucine.
Molecular consequence: missense variant. On other transcripts: non-coding transcript variant (1).
Genome position (GRCh38, 1-based): chr10:121,483,799, T>A on the plus strand (A>T on the coding strand, the complement: FGFR2 is on the minus strand). VCF-style: chr10-121483799-T-A. GRCh37 (hg19) VCF-style: chr10-123243313-T-A.
Other names: c.2203A>T, p.Met735Leu (NM_001144913.1, NM_022970.4); c.1864A>T, p.Met622Leu (NM_001144914.1); c.1933A>T, p.Met645Leu (NM_001144915.2, NM_023029.3); c.1855A>T, p.Met619Leu (NM_001144916.2); c.1852A>T, p.Met618Leu (NM_001144917.2); c.1849A>T, p.Met617Leu (NM_001144918.2); c.1936A>T, p.Met646Leu (NM_001144919.2); c.1516A>T, p.Met506Leu (NM_001320654.2); and 1 more; short protein forms M506L, M617L, M618L, M619L, M622L, M645L, M646L, M732L.
Identifiers: ClinVar variation 1722843 (VCV001722843.2), dbSNP rs2133771717, ClinGen allele CA378311151.